The following is an entry in ClinVar:

ClinVar aggregate classification (germline): Conflicting classifications of pathogenicity. Review status: criteria provided, conflicting classifications (1 of 4 stars). 3 submissions from 3 submitters: Uncertain significance (2); Likely benign (1). Last evaluated 2024-06-24.

Conditions:
Familial cancer of breast. Also called: BREAST CANCER, FAMILIAL; Hereditary breast cancer; hereditary breast carcinoma. Identifiers: Orphanet 227535, MedGen C0346153, MONDO:0016419, OMIM 114480. Disease mechanism: loss of function.
Hereditary cancer-predisposing syndrome. Also called: Neoplastic Syndromes, Hereditary; Tumor predisposition; Hereditary neoplastic syndrome; Hereditary Cancer Syndrome. Identifiers: Orphanet 140162, MedGen C0027672, MeSH D009386, MONDO:0015356.

Allele frequency attached by ClinVar (database versions not stated): TOPMed below 0.00001.

Submissions (3):

Labcorp Genetics (formerly Invitae), Labcorp
Classification: Uncertain significance for Familial cancer of breast. Last evaluated: 2024-06-24. Review status: criteria provided, single submitter. Criteria: Invitae Variant Classification Sherloc (09022015). Collection method: clinical testing. Allele origin: germline.
Comment: This sequence change replaces leucine, which is neutral and non-polar, with methionine, which is neutral and non-polar, at codon 618 of the BARD1 protein (p.Leu618Met). This variant is not present in population databases (gnomAD no frequency). This variant has not been reported in the literature in individuals affected with BARD1-related conditions. ClinVar contains an entry for this variant (Variation ID: 629131). Algorithms developed to predict the effect of missense changes on protein structure and function output the following: SIFT: "Not Available"; PolyPhen-2: "Benign"; Align-GVGD: "Not Available". The methionine amino acid residue is found in multiple mammalian species, which suggests that this missense change does not adversely affect protein function. In summary, the available evidence is currently insufficient to determine the role of this variant in disease. Therefore, it has been classified as a Variant of Uncertain Significance.

Ambry Genetics
Classification: Likely benign for Hereditary cancer-predisposing syndrome. Last evaluated: 2024-02-26. Review status: criteria provided, single submitter. Criteria: Ambry Variant Classification Scheme 2023. Collection method: clinical testing. Allele origin: germline.

Color Diagnostics, LLC DBA Color Health
Classification: Uncertain significance for Hereditary cancer-predisposing syndrome. Last evaluated: 2023-12-05. Review status: criteria provided, single submitter. Criteria: ACMG Guidelines, 2015. Collection method: clinical testing. Allele origin: germline.
Comment: This missense variant replaces leucine with methionine at codon 618 of the BARD1 protein. Computational prediction suggests that this variant may not impact protein structure and function (internally defined REVEL score threshold <= 0.5, PMID: 27666373). To our knowledge, functional studies have not been reported for this variant. This variant has not been reported in individuals affected with BARD1-related disorders in the literature. This variant has not been identified in the general population by the Genome Aggregation Database (gnomAD). The available evidence is insufficient to determine the role of this variant in disease conclusively. Therefore, this variant is classified as a Variant of Uncertain Significance.

NM_000465.4(BARD1):c.1852T>A (p.Leu618Met)

Gene: BARD1 (BRCA1 associated RING domain 1; minus strand). Cytogenetic location: 2q35.
Variant type: single nucleotide variant.
Coding change: c.1852T>A on transcript NM_000465.4 (MANE Select); coding-DNA position 1852, T replaced by A.
Protein change: p.Leu618Met; replaces leucine 618 with methionine.
Molecular consequence: missense variant. On other transcripts: non-coding transcript variant (3), intron variant (1).
Genome position (GRCh38, 1-based): chr2:214,745,118, A>T on the plus strand (T>A on the coding strand, the complement: BARD1 is on the minus strand). VCF-style: chr2-214745118-A-T. GRCh37 (hg19) VCF-style: chr2-215609842-A-T.
Other names: c.442T>A, p.Leu148Met (NM_001282548.2); c.1795T>A, p.Leu599Met (NM_001282543.2); c.499T>A, p.Leu167Met (NM_001282545.2); c.365-14610T>A (NM_001282549.2); c.1852T>A (NM_000465.2); short protein forms L618M, L148M, L167M, L599M.
Identifiers: ClinVar variation 629131 (VCV000629131.18), dbSNP rs1559386134, ClinGen allele CA350452210.